The following is an entry in ClinVar:

NM_000051.4(ATM):c.1009C>A (p.Arg337Ser)

Gene: ATM (ATM serine/threonine kinase; plus strand). Cytogenetic location: 11q22.3.
Variant type: single nucleotide variant.
Coding change: c.1009C>A on transcript NM_000051.4 (MANE Select); coding-DNA position 1009, C replaced by A.
Protein change: p.Arg337Ser; replaces arginine 337 with serine.
Molecular consequence: missense variant.
Genome position (GRCh38, 1-based): chr11:108,247,071, C>A. VCF-style: chr11-108247071-C-A. GRCh37 (hg19) VCF-style: chr11-108117798-C-A.
Other names: c.1009C>A, p.Arg337Ser (NM_001351834.2); short protein forms R337S.
Identifiers: ClinVar variation 232238 (VCV000232238.14), dbSNP rs138398778, ClinGen allele CA6264718.

ClinVar aggregate classification (germline): Uncertain significance. Review status: criteria provided, multiple submitters, no conflicts (2 of 4 stars). 3 submissions from 3 submitters: Uncertain significance (3). Last evaluated 2025-10-15.

Conditions:
Hereditary cancer-predisposing syndrome. Also called: Hereditary Cancer Syndrome; Neoplastic Syndromes, Hereditary; Tumor predisposition; Hereditary neoplastic syndrome. Identifiers: Orphanet 140162, MedGen C0027672, MeSH D009386, MONDO:0015356.
Ataxia-telangiectasia syndrome (AT). Also called: Ataxia telangiectasia (A-T); Ataxia-telangiectasia, complementation group E; LOUIS-BAR SYNDROME; Cerebello-oculocutaneous telangiectasia; Immunodeficiency with ataxia telangiectasia; Ataxia-telangiectasia, complementation group D. Identifiers: Orphanet 100, MedGen C0004135, MONDO:0008840, OMIM 208900.

Submissions (3):

Ambry Genetics
Classification: Uncertain significance for Hereditary cancer-predisposing syndrome. Last evaluated: 2025-10-15. Review status: criteria provided, single submitter. Criteria: Ambry Variant Classification Scheme 2023. Collection method: clinical testing. Allele origin: germline.
Comment: The p.R337S variant (also known as c.1009C>A), located in coding exon 7 of the ATM gene, results from a C to A substitution at nucleotide position 1009. The arginine at codon 337 is replaced by serine, an amino acid with dissimilar properties. This amino acid position is highly conserved in available vertebrate species. In addition, the in silico prediction for this alteration is inconclusive. Based on the available evidence, the clinical significance of this variant remains unclear.

Color Diagnostics, LLC DBA Color Health
Classification: Uncertain significance for Hereditary cancer-predisposing syndrome. Last evaluated: 2022-08-30. Review status: criteria provided, single submitter. Criteria: ACMG Guidelines, 2015. Collection method: clinical testing. Allele origin: germline.
Comment: This missense variant replaces arginine with serine at codon 337 of the ATM protein. Computational prediction suggests that this variant may not impact protein structure and function (internally defined REVEL score threshold <= 0.5, PMID: 27666373). A functional study has shown the mutant protein to exhibit decreased phosphorylation of downstream targets after ionizing radiation exposure (PMID: 16014569). This variant has not been reported in individuals affected with hereditary cancer in the literature. This variant has been reported as a recurrent mutation in somatic cancer (PMID: 26619011). This variant has been identified in 2/251170 chromosomes in the general population by the Genome Aggregation Database (gnomAD). The available evidence is insufficient to determine the role of this variant in disease conclusively. Therefore, this variant is classified as a Variant of Uncertain Significance.

Labcorp Genetics (formerly Invitae), Labcorp
Classification: Uncertain significance for Ataxia-telangiectasia syndrome. Last evaluated: 2022-05-30. Review status: criteria provided, single submitter. Criteria: Invitae Variant Classification Sherloc (09022015). Collection method: clinical testing. Allele origin: germline.
Comment: This sequence change replaces arginine, which is basic and polar, with serine, which is neutral and polar, at codon 337 of the ATM protein (p.Arg337Ser). This variant is present in population databases (rs138398778, gnomAD 0.003%). This variant has not been reported in the literature in individuals affected with ATM-related conditions. ClinVar contains an entry for this variant (Variation ID: 232238). Advanced modeling of protein sequence and biophysical properties (such as structural, functional, and spatial information, amino acid conservation, physicochemical variation, residue mobility, and thermodynamic stability) performed at Invitae indicates that this missense variant is not expected to disrupt ATM protein function. In summary, the available evidence is currently insufficient to determine the role of this variant in disease. Therefore, it has been classified as a Variant of Uncertain Significance.

Literature cited by the submitters: PubMed 16014569 (cited by Color Diagnostics, LLC DBA Color Health); PubMed 26619011 (cited by Color Diagnostics, LLC DBA Color Health).